The following is an entry in ClinVar:

Conditions:
Long QT syndrome 5 (LQT5). Identifiers: Orphanet 101016, Orphanet 768, MedGen C1867904, MONDO:0013372, OMIM 613695.

Submission:

Roden Lab, Vanderbilt University Medical Center
No classification provided (evidence only). Condition: Long QT syndrome 5. Review status: no classification provided. Collection method: in vitro. Allele origin: not applicable. Functional consequence: Effect on ion channel function.
ClinVar note: "not provided" was previously submitted as the classification for the variant. However, the classification appeared to be based only on an observation of functional data so it was converted to no classification on 2025-07-30.

NM_000219.6(KCNE1):c.15C>A (p.Asn5Lys)

Gene: KCNE1 (potassium voltage-gated channel subfamily E regulatory subunit 1; minus strand). Cytogenetic location: 21q22.12.
Variant type: single nucleotide variant.
Coding change: c.15C>A on transcript NM_000219.6 (MANE Select); coding-DNA position 15, C replaced by A.
Protein change: p.Asn5Lys; replaces asparagine 5 with lysine.
Molecular consequence: missense variant.
Genome position (GRCh38, 1-based): chr21:34,449,620, G>T on the plus strand (C>A on the coding strand, the complement: KCNE1 is on the minus strand). VCF-style: chr21-34449620-G-T. GRCh37 (hg19) VCF-style: chr21-35821918-G-T.
Other names: c.15C>A, p.Asn5Lys (NM_001127668.4, NM_001127669.4, NM_001127670.4 and 4 more transcripts); short protein forms N5K.
Identifiers: ClinVar variation 3374170 (VCV003374170.2).
Genomic context (GRCh38, chr21:34,449,620, plus strand): 5'-GCCACCCTGCTGAACTGTCTCCTGCCACAGCTTGGTCAGAAAGGGCGTCACCGCTGTGGT[G>T]TTAGACAGGATCATCCTGGGCATTAAGGTTCCACTGCTGCAGCTCAAACTTCCCAGGCAC-3'
Protein context (NP_000210.2, residues 1-15): MILS[Asn5Lys]TTAVTPFLTK